The following is an entry in ClinVar:

ClinVar aggregate classification (germline): Uncertain significance (1 of 4 stars; one submission).

gnomAD v4.1: 42 of 1,611,676 alleles (0.0026%); highest among the groups gnomAD compares: African/African-American, 0.056%; no homozygotes.

Submission:

Labcorp Genetics (formerly Invitae), Labcorp
Classification: Uncertain significance. Last evaluated: 2024-11-18. Review status: criteria provided, single submitter. Criteria: Invitae Variant Classification Sherloc (09022015). Collection method: clinical testing. Allele origin: germline.
Comment: This sequence change replaces leucine, which is neutral and non-polar, with phenylalanine, which is neutral and non-polar, at codon 702 of the DGKZ protein (p.Leu702Phe). This variant is present in population databases (rs140865212, gnomAD 0.06%), and has an allele count higher than expected for a pathogenic variant. This variant has not been reported in the literature in individuals affected with DGKZ-related conditions. An algorithm developed to predict the effect of missense changes on protein structure and function (PolyPhen-2) suggests that this variant is likely to be disruptive. In summary, the available evidence is currently insufficient to determine the role of this variant in disease. Therefore, it has been classified as a Variant of Uncertain Significance.

NM_001199267.2(DGKZ):c.1539G>C (p.Leu513Phe)

Gene: DGKZ (diacylglycerol kinase zeta; plus strand). Cytogenetic location: 11p11.2.
Variant type: single nucleotide variant.
Coding change: c.1539G>C on transcript NM_001199267.2 (MANE Select); coding-DNA position 1539, G replaced by C.
Protein change: p.Leu513Phe; replaces leucine 513 with phenylalanine.
Molecular consequence: missense variant.
Genome position (GRCh38, 1-based): chr11:46,374,783, G>C. VCF-style: chr11-46374783-G-C. GRCh37 (hg19) VCF-style: chr11-46396333-G-C.
Other names: c.2106G>C, p.Leu702Phe (NM_001105540.2); c.1542G>C, p.Leu514Phe (NM_001199266.2, NM_003646.4); c.1473G>C, p.Leu491Phe (NM_001199268.2); c.1590G>C, p.Leu530Phe (NM_201532.3); c.1554G>C, p.Leu518Phe (NM_201533.3); short protein forms L518F, L491F, L513F, L530F, L514F, L702F.
Identifiers: ClinVar variation 3713004 (VCV003713004.2).